The following is an entry in ClinVar:

NM_001267550.2(TTN):c.53582-6C>G

Genes: TTN-AS1 (TTN antisense RNA 1; plus strand), TTN (titin; minus strand). Cytogenetic location: 2q31.2.
Variant type: single nucleotide variant.
Coding change: c.53582-6C>G on transcript NM_001267550.2 (MANE Select); 6 bases into the intron before coding-DNA position 53582, C replaced by G.
Molecular consequence: intron variant.
Genome position (GRCh38, 1-based): chr2:178,605,719, G>C on the plus strand (C>G on the coding strand, the complement: TTN is on the minus strand). VCF-style: chr2-178605719-G-C. GRCh37 (hg19) VCF-style: chr2-179470446-G-C.
Other names: c.26387-6C>G (NM_003319.4); c.26963-6C>G (NM_133437.4); c.26762-6C>G (NM_133432.3); c.45878-6C>G (NM_133378.4); c.48659-6C>G (NM_001256850.1).
Identifiers: ClinVar variation 165986 (VCV000165986.5), dbSNP rs727503608, ClinGen allele CA178759.

ClinVar aggregate classification (germline): Uncertain significance (1 of 4 stars; one submission).

Allele frequency attached by ClinVar (database versions not stated): gnomAD exomes below 0.00001 and 0.00001; ExAC 0.00001.
gnomAD v4.1: 3 of 1,475,762 alleles (0.0002%); highest among the groups gnomAD compares: Non-Finnish European, 0.00027%; no homozygotes.

Submission:

Laboratory for Molecular Medicine, Mass General Brigham Personalized Medicine
Classification: Uncertain significance. Last evaluated: 2014-08-07. Review status: criteria provided, single submitter. Criteria: LMM Criteria. Collection method: clinical testing. Allele origin: germline. Observed: 1 variant allele.
Comment: The 45878-6C>G variant in TTN has not been previously reported in individuals wi th cardiomyopathy or in large population studies. This variant is located in the 3' splice region. Computational tools do not suggest an impact to splicing. How ever, this information is not predictive enough to rule out pathogenicity. In su mmary, the clinical significance of the 45878-6C>G variant is uncertain.